The following is an entry in ClinVar:

NM_000051.4(ATM):c.1665A>G (p.Val555=)

Gene: ATM (ATM serine/threonine kinase; plus strand). Cytogenetic location: 11q22.3.
Variant type: single nucleotide variant.
Coding change: c.1665A>G on transcript NM_000051.4 (MANE Select); coding-DNA position 1665, A replaced by G.
Protein change: p.Val555=; no amino-acid change (valine 555 retained).
Molecular consequence: synonymous variant.
Genome position (GRCh38, 1-based): chr11:108,251,894, A>G. VCF-style: chr11-108251894-A-G. GRCh37 (hg19) VCF-style: chr11-108122621-A-G.
Other names: c.1665A>G, p.Val555= (NM_001351834.2).
Identifiers: ClinVar variation 819771 (VCV000819771.8), dbSNP rs754367168, ClinGen allele CA6264855.

ClinVar aggregate classification (germline): Benign/Likely benign. Review status: criteria provided, multiple submitters, no conflicts (2 of 4 stars). 3 submissions from 3 submitters: Benign (1); Likely benign (2). Last evaluated 2025-04-07.

Conditions:
Hereditary cancer-predisposing syndrome. Also called: Hereditary Cancer Syndrome; Neoplastic Syndromes, Hereditary; Hereditary neoplastic syndrome; Tumor predisposition. Identifiers: Orphanet 140162, MedGen C0027672, MeSH D009386, MONDO:0015356.
Familial cancer of breast. Also called: Hereditary breast cancer; hereditary breast carcinoma; BREAST CANCER, FAMILIAL. Identifiers: Orphanet 227535, MedGen C0346153, MONDO:0016419, OMIM 114480. Disease mechanism: loss of function.
Ataxia-telangiectasia syndrome (AT). Also called: Cerebello-oculocutaneous telangiectasia; Immunodeficiency with ataxia telangiectasia; Ataxia-telangiectasia, complementation group E; Ataxia-telangiectasia, complementation group D; AT, COMPLEMENTATION GROUP C; ATAXIA-TELANGIECTASIA, COMPLEMENTATION GROUP A. Identifiers: Orphanet 100, MedGen C0004135, MONDO:0008840, OMIM 208900.

Allele frequency attached by ClinVar (database versions not stated): gnomAD exomes below 0.00001; ExAC 0.00001.
gnomAD v4.1: 1 of 1,613,962 alleles (0.000062%); highest among the groups gnomAD compares: South Asian, 0.0011%; no homozygotes.

Submissions (3):

Labcorp Genetics (formerly Invitae), Labcorp
Classification: Likely benign for Ataxia-telangiectasia syndrome. Last evaluated: 2025-04-07. Review status: criteria provided, single submitter. Criteria: Invitae Variant Classification Sherloc (09022015). Collection method: clinical testing. Allele origin: germline.

Myriad Genetics, Inc.
Classification: Benign for Familial cancer of breast. Last evaluated: 2024-05-01. Review status: criteria provided, single submitter. Criteria: Myriad Autosomal Dominant, Autosomal Recessive and X-Linked Classification Criteria (2023). Collection method: clinical testing. Allele origin: unknown.
Comment: This variant is considered benign. This variant is a silent/synonymous amino acid change and it is not expected to impact splicing.

Ambry Genetics
Classification: Likely benign for Hereditary cancer-predisposing syndrome. Last evaluated: 2019-03-14. Review status: criteria provided, single submitter. Criteria: Ambry Variant Classification Scheme 2023. Collection method: clinical testing. Allele origin: germline.